The following is an entry in ClinVar:

NM_002691.4(POLD1):c.3067+6C>T

Gene: POLD1 (DNA polymerase delta 1, catalytic subunit; plus strand). Cytogenetic location: 19q13.33.
Variant type: single nucleotide variant.
Coding change: c.3067+6C>T on transcript NM_002691.4 (MANE Select); 6 bases into the intron after coding-DNA position 3067, C replaced by T.
Molecular consequence: intron variant.
Genome position (GRCh38, 1-based): chr19:50,416,729, C>T. VCF-style: chr19-50416729-C-T. GRCh37 (hg19) VCF-style: chr19-50919986-C-T.
Other names: c.3067+6C>T (LRG_785t1, NM_001256849.1); c.3145+6C>T (LRG_785t2, NM_001308632.1).
Identifiers: ClinVar variation 384592 (VCV000384592.14), dbSNP rs1057522005, ClinGen allele CA16608377.
Genomic context (GRCh38, chr19:50,416,729, plus strand): 5'-TTCGCCAAACGCCGCAACTGCTGCATTGGCTGCCGCACAGTGCTCAGCCACCAGGGTGAG[C>T]GGCCCTGGCCACTGGGCCCCCACTGGCCCTCAACCTGCTCTGCCGTCACCCCAGATCCTA-3'

ClinVar aggregate classification (germline): Likely benign. Review status: criteria provided, multiple submitters, no conflicts (2 of 4 stars). 4 submissions from 4 submitters: Likely benign (4). Last evaluated 2026-03-12.

Conditions:
POLD1-related polyposis and colorectal cancer syndrome (CRCS10). Also called: Colorectal cancer, susceptibility to, 10; Colorectal cancer 10; COLORECTAL CANCER, SUSCEPTIBILITY TO, ON CHROMOSOME 19q. Identifiers: Orphanet 220460, MedGen C2675481, MONDO:0012953, OMIM 612591.

Allele frequency attached by ClinVar (database versions not stated): gnomAD 0.00001; gnomAD exomes 0.00001 and 0.00002; TOPMed 0.00002.
gnomAD v4.1: 23 of 1,520,954 alleles (0.0015%); highest among the groups gnomAD compares: East Asian, 0.012%; no homozygotes.

Submissions (4):

Women's Health and Genetics/Laboratory Corporation of America, LabCorp
Classification: Likely benign. Last evaluated: 2026-03-12. Review status: criteria provided, single submitter. Criteria: LabCorp Variant Classification Summary - May 2015. Collection method: clinical testing. Allele origin: germline.
Comment: Variant summary: POLD1 c.3067+6C>T alters a nucleotide located close to a canonical splice site and therefore could affect mRNA splicing, leading to a significantly altered protein sequence. Consensus agreement among computation tools predict no significant impact on normal splicing. However, these predictions have yet to be confirmed by functional studies. The variant allele was found at a frequency of 1.5e-05 in 1520954 control chromosomes. The observed variant frequency exceeds the estimated maximal expected allele frequency for disease-causing variants in POLD1. To our knowledge, no occurrence of c.3067+6C>T in individuals affected with POLD1-related conditions and no experimental evidence demonstrating its impact on protein function have been reported. ClinVar contains an entry for this variant (Variation ID: 384592). Based on the evidence outlined above, the variant was classified as likely benign.

Labcorp Genetics (formerly Invitae), Labcorp
Classification: Likely benign for POLD1-related polyposis and colorectal cancer syndrome. Last evaluated: 2026-01-10. Review status: criteria provided, single submitter. Criteria: Invitae Variant Classification Sherloc (09022015). Collection method: clinical testing. Allele origin: germline.

Blueprint Genetics
Classification: Likely benign. Last evaluated: 2024-04-16. Review status: criteria provided, single submitter. Criteria: ACMG Guidelines, 2015. Collection method: clinical testing. Allele origin: germline.

GeneDx
Classification: Likely benign. Last evaluated: 2017-10-06. Review status: criteria provided, single submitter. Criteria: GeneDx Variant Classification (06012015). Collection method: clinical testing. Allele origin: germline. Affected: yes.
Comment: This variant is considered likely benign or benign based on one or more of the following criteria: it is a conservative change, it occurs at a poorly conserved position in the protein, it is predicted to be benign by multiple in silico algorithms, and/or has population frequency not consistent with disease.